The following is an entry in ClinVar:

NM_004415.4(DSP):c.5726T>C (p.Ile1909Thr)

Gene: DSP (desmoplakin; plus strand). Cytogenetic location: 6p24.3.
Variant type: single nucleotide variant.
Coding change: c.5726T>C on transcript NM_004415.4 (MANE Select); coding-DNA position 5726, T replaced by C.
Protein change: p.Ile1909Thr; replaces isoleucine 1909 with threonine.
Molecular consequence: missense variant.
Genome position (GRCh38, 1-based): chr6:7,582,988, T>C. VCF-style: chr6-7582988-T-C. GRCh37 (hg19) VCF-style: chr6-7583221-T-C.
Other names: c.5726T>C (NM_004415.2); c.3929T>C, p.Ile1310Thr (NM_001008844.3); c.4397T>C, p.Ile1466Thr (NM_001319034.2); short protein forms I1310T, I1909T, I1466T.
Identifiers: ClinVar variation 1410215 (VCV001410215.11), dbSNP rs752360866, ClinGen allele CA045609.

ClinVar aggregate classification (germline): Conflicting classifications of pathogenicity. Review status: criteria provided, conflicting classifications (1 of 4 stars). 3 submissions from 3 submitters: Uncertain significance (2); Likely benign (1). Last evaluated 2026-04-30.

Conditions:
Cardiovascular phenotype. Identifiers: MedGen CN230736.
Arrhythmogenic cardiomyopathy with wooly hair and keratoderma. Also called: Arrhythmogenic cardiomyopathy with woolly hair and keratoderma; PALMOPLANTAR KERATODERMA WITH LEFT VENTRICULAR CARDIOMYOPATHY AND WOOLLY HAIR; Carvajal syndrome; Dilated cardiomyopathy with woolly hair and keratoderma. Identifiers: Orphanet 65282, MedGen C1854063, MONDO:0011581, OMIM 605676.
Arrhythmogenic right ventricular dysplasia 8 (ARVD8). Also called: Arrhythmogenic Right Ventricular Dysplasia/Cardiomyopathy 8; ARRHYTHMOGENIC RIGHT VENTRICULAR DYSPLASIA, FAMILIAL, 8; ARRHYTHMOGENIC RIGHT VENTRICULAR CARDIOMYOPATHY 8. Identifiers: MedGen C1843896, MONDO:0011831, OMIM 607450.

Allele frequency attached by ClinVar (database versions not stated): gnomAD exomes 0.00001; gnomAD 0.00003 and 0.00002; TOPMed 0.00003; ExAC 0.00001.
gnomAD v4.1: 9 of 1,613,612 alleles (0.00056%); highest among the groups gnomAD compares: African/African-American, 0.004%; no homozygotes.

Submissions (3):

Ambry Genetics
Classification: Uncertain significance for Cardiovascular phenotype. Last evaluated: 2026-04-30. Review status: criteria provided, single submitter. Criteria: Ambry Variant Classification Scheme 2023. Collection method: clinical testing. Allele origin: germline.
Comment: The p.I1909T variant (also known as c.5726T>C), located in coding exon 24 of the DSP gene, results from a T to C substitution at nucleotide position 5726. The isoleucine at codon 1909 is replaced by threonine, an amino acid with similar properties. This amino acid position is conserved. In addition, the in silico prediction for this alteration is inconclusive. Based on the available evidence, the clinical significance of this variant remains unclear.

All of Us Research Program, National Institutes of Health
Classification: Uncertain significance for Arrhythmogenic cardiomyopathy with wooly hair and keratoderma. Last evaluated: 2024-04-16. Review status: criteria provided, single submitter. Criteria: ACMG Guidelines, 2015. Collection method: clinical testing. Allele origin: germline. Inheritance: Autosomal dominant inheritance. Observed: 2 variant alleles, 2 heterozygotes.
Comment: This missense variant replaces isoleucine with threonine at codon 1909 of the DSP protein. Computational prediction suggests that this variant may not impact protein structure and function (internally defined REVEL score threshold <= 0.5, PMID: 27666373). To our knowledge, functional studies have not been reported for this variant. This variant has not been reported in individuals affected with DSP-related disorders in the literature. This variant has been identified in 2/251226 chromosomes in the general population by the Genome Aggregation Database (gnomAD). The available evidence is insufficient to determine the role of this variant in disease conclusively. Therefore, this variant is classified as a Variant of Uncertain Significance.

This study involves interpretation of variants in research participants for the purpose of population health screening. Participant phenotype was not available at the time of variant classification. Additional details can be found in publication PMID: 35346344, PMCID: PMC8962531

Labcorp Genetics (formerly Invitae), Labcorp
Classification: Likely benign for Arrhythmogenic cardiomyopathy with wooly hair and keratoderma; Arrhythmogenic right ventricular dysplasia 8. Last evaluated: 2023-02-02. Review status: criteria provided, single submitter. Criteria: Invitae Variant Classification Sherloc (09022015). Collection method: clinical testing. Allele origin: germline.